The following is an entry in ClinVar:

ClinVar aggregate classification (germline): Likely pathogenic (1 of 4 stars; one submission).

Conditions:
Breast-ovarian cancer, familial, susceptibility to, 4. Identifiers: Orphanet 145, MedGen C3280345, MONDO:0013669, OMIM 614291.

Submission:

Labcorp Genetics (formerly Invitae), Labcorp
Classification: Likely pathogenic for Breast-ovarian cancer, familial, susceptibility to, 4. Last evaluated: 2025-08-07. Review status: criteria provided, single submitter. Criteria: Invitae Variant Classification Sherloc (09022015). Collection method: clinical testing. Allele origin: germline.
Comment: This variant results in the deletion of part of exon 7 (c.667_667+1del) of the RAD51D gene. It is expected to disrupt RNA splicing. Variants that disrupt the donor or acceptor splice site typically lead to a loss of protein function (PMID: 16199547), and loss-of-function variants in RAD51D are known to be pathogenic (PMID: 21822267). This variant is not present in population databases (gnomAD no frequency). This variant has not been reported in the literature in individuals affected with RAD51D-related conditions. Algorithms developed to predict the effect of sequence changes on RNA splicing suggest that this variant may disrupt the consensus splice site. In summary, the currently available evidence indicates that the variant is pathogenic, but additional data are needed to prove that conclusively. Therefore, this variant has been classified as Likely Pathogenic.

Literature cited by the submitters: PubMed 16199547; PubMed 21822267.

NM_002878.4(RAD51D):c.667_667+1del

Genes: RAD51L3-RFFL (RAD51L3-RFFL readthrough; minus strand), RAD51D (RAD51 paralog D; minus strand). Cytogenetic location: 17q12.
Variant type: Deletion.
Coding change: c.667_667+1del on transcript NM_002878.4 (MANE Select); coding-DNA position 667 through the canonical splice donor site of the intron after coding-DNA position 667, 2 bases deleted (GG; older notation c.667_667+1delGG).
Molecular consequence: splice donor variant.
Genome position (GRCh38, 1-based): chr17:35,103,453-35,103,454, CC deleted on the plus strand (GG on the coding strand, the reverse complement: RAD51D is on the minus strand). VCF-style (leftmost placement, unchanged base first): chr17-35103452-ACC-A. GRCh37 (hg19) VCF-style: chr17-33430471-ACC-A.
Other names: c.331_331+1del (NM_133629.3); c.727_727+1del (NM_001142571.2).
Identifiers: ClinVar variation 4724879 (VCV004724879.1).